The following is an entry in ClinVar:

ClinVar aggregate classification (germline): Uncertain significance (1 of 4 stars; one submission).

Allele frequency attached by ClinVar (database versions not stated): gnomAD 0.00001.

Submission:

GeneDx
Classification: Uncertain significance. Last evaluated: 2022-10-21. Review status: criteria provided, single submitter. Criteria: GeneDx Variant Classification Process June 2021. Collection method: clinical testing. Allele origin: germline. Affected: yes.
Comment: Not observed at significant frequency in large population cohorts (gnomAD); In silico analysis supports that this missense variant has a deleterious effect on protein structure/function; Has not been previously published as pathogenic or benign to our knowledge

NM_003070.5(SMARCA2):c.3940G>A (p.Val1314Met)

Gene: SMARCA2 (SWI/SNF related BAF chromatin remodeling complex subunit ATPase 2; plus strand). Cytogenetic location: 9p24.3.
Variant type: single nucleotide variant.
Coding change: c.3940G>A on transcript NM_003070.5 (MANE Select); coding-DNA position 3940, G replaced by A.
Protein change: p.Val1314Met; replaces valine 1314 with methionine.
Molecular consequence: missense variant.
Genome position (GRCh38, 1-based): chr9:2,123,896, G>A. VCF-style: chr9-2123896-G-A. GRCh37 (hg19) VCF-style: chr9-2123896-G-A.
Other names: c.3940G>A, p.Val1314Met (NM_001289396.2, NM_139045.4); c.3766G>A, p.Val1256Met (NM_001289397.2); short protein forms V1256M, V1314M.
Identifiers: ClinVar variation 1314521 (VCV001314521.3), dbSNP rs1823574246, ClinGen allele CA372790777.
Genomic context (GRCh38, chr9:2,123,896, plus strand): 5'-CTCACCTGTGAAGAAGAGGAGGAGAAAATATTTGGGAGGGGGTCCCGCCAGCGCCGTGAC[G>A]TGGACTACAGTGACGCCCTCACGGAGAAGCAGTGGCTAAGGGTAAGCCTAGCTTTTCTAA-3'
Protein context (NP_003061.3, residues 1304-1324): FGRGSRQRRD[Val1314Met]DYSDALTEKQ